The following is an entry in ClinVar:

NM_014994.3(MAPKBP1):c.2942G>A (p.Ser981Asn)

Gene: MAPKBP1 (mitogen-activated protein kinase binding protein 1; plus strand). Cytogenetic location: 15q15.1.
Variant type: single nucleotide variant.
Coding change: c.2942G>A on transcript NM_014994.3 (MANE Select); coding-DNA position 2942, G replaced by A.
Protein change: p.Ser981Asn; replaces serine 981 with asparagine.
Molecular consequence: missense variant. On other transcripts: non-coding transcript variant (2).
Genome position (GRCh38, 1-based): chr15:41,822,021, G>A. VCF-style: chr15-41822021-G-A. GRCh37 (hg19) VCF-style: chr15-42114219-G-A.
Other names: c.2960G>A, p.Ser987Asn (NM_001128608.2); c.2942G>A, p.Ser981Asn (NM_001265611.2); short protein forms S981N, S987N.
Identifiers: ClinVar variation 721626 (VCV000721626.12), dbSNP rs201730244, ClinGen allele CA7498430.

ClinVar aggregate classification (germline): Benign/Likely benign. Review status: criteria provided, multiple submitters, no conflicts (2 of 4 stars). 3 submissions from 3 submitters: Benign (1); Likely benign (1). 1 of the submissions does not count toward it. Last evaluated 2025-12-15.

Conditions:
MAPKBP1-related disorder. Also called: MAPKBP1-related condition.

Allele frequency attached by ClinVar (database versions not stated): TOPMed 0.00006; gnomAD 0.00011 and 0.00048; gnomAD exomes 0.00059 and 0.00133; ExAC 0.00192; 1000 Genomes Project 0.00339; 1000 Genomes Project 30x 0.00344.
gnomAD v4.1: 947 of 1,610,132 alleles (0.059%); highest among the groups gnomAD compares: South Asian, 0.87%; 6 homozygotes.

Submissions (3):

Labcorp Genetics (formerly Invitae), Labcorp
Classification: Benign. Last evaluated: 2025-12-15. Review status: criteria provided, single submitter. Criteria: Invitae Variant Classification Sherloc (09022015). Collection method: clinical testing. Allele origin: germline.

Blueprint Genetics
Classification: Likely benign. Last evaluated: 2024-10-11. Review status: criteria provided, single submitter. Criteria: ACMG Guidelines, 2015. Collection method: clinical testing. Allele origin: germline.

PreventionGenetics, part of Exact Sciences
Classification: Likely benign for MAPKBP1-related condition. Last evaluated: 2019-03-01. Review status: no assertion criteria provided. Collection method: clinical testing. Allele origin: germline. Not counted in ClinVar's aggregate classification.
Comment: This variant is classified as likely benign based on ACMG/AMP sequence variant interpretation guidelines (Richards et al. 2015 PMID: 25741868, with internal and published modifications).